The following is an entry in ClinVar:

NM_000051.4(ATM):c.186-13T>A

Gene: ATM (ATM serine/threonine kinase; plus strand). Cytogenetic location: 11q22.3.
Variant type: single nucleotide variant.
Coding change: c.186-13T>A on transcript NM_000051.4 (MANE Select); 13 bases into the intron before coding-DNA position 186, T replaced by A.
Molecular consequence: intron variant.
Genome position (GRCh38, 1-based): chr11:108,229,165, T>A. VCF-style: chr11-108229165-T-A. GRCh37 (hg19) VCF-style: chr11-108099892-T-A.
Other names: c.186-13T>A (NM_001351834.2, NM_001351835.2, NM_001351836.2).
Identifiers: ClinVar variation 1483353 (VCV001483353.8), dbSNP rs2135032350, ClinGen allele CA2573146444.

ClinVar aggregate classification (germline): Uncertain significance (1 of 4 stars; one submission).

Conditions:
Ataxia-telangiectasia syndrome (AT). Also called: ATAXIA-TELANGIECTASIA, COMPLEMENTATION GROUP A; ATAXIA-TELANGIECTASIA, FRESNO VARIANT; LOUIS-BAR SYNDROME; Ataxia-telangiectasia; Cerebello-oculocutaneous telangiectasia; Immunodeficiency with ataxia telangiectasia. Identifiers: Orphanet 100, MedGen C0004135, MONDO:0008840, OMIM 208900.

Submission:

Labcorp Genetics (formerly Invitae), Labcorp
Classification: Uncertain significance for Ataxia-telangiectasia syndrome. Last evaluated: 2021-04-01. Review status: criteria provided, single submitter. Criteria: Invitae Variant Classification Sherloc (09022015). Collection method: clinical testing. Allele origin: germline.
Comment: In summary, the available evidence is currently insufficient to determine the role of this variant in disease. Therefore, it has been classified as a Variant of Uncertain Significance. Algorithms developed to predict the effect of sequence changes on RNA splicing suggest that this variant may create or strengthen a splice site, but this prediction has not been confirmed by published transcriptional studies. This variant has not been reported in the literature in individuals with ATM-related conditions. This variant is not present in population databases (ExAC no frequency). This sequence change falls in intron 3 of the ATM gene. It does not directly change the encoded amino acid sequence of the ATM protein.